The following is an entry in ClinVar:

ClinVar aggregate classification (germline): Uncertain significance (1 of 4 stars; one submission).

Conditions:
MEGF8-related Carpenter syndrome. Also called: Carpenter syndrome 2. Identifiers: Orphanet 65759, MedGen C3554247, MONDO:0013998, OMIM 614976.

Allele frequency attached by ClinVar (database versions not stated): gnomAD exomes below 0.00001; gnomAD 0.00001; TOPMed 0.00001.
gnomAD v4.1: 3 of 1,613,822 alleles (0.00019%); highest among the groups gnomAD compares: Admixed American, 0.0017%; no homozygotes.

Submission:

Labcorp Genetics (formerly Invitae), Labcorp
Classification: Uncertain significance for MEGF8-related Carpenter syndrome. Last evaluated: 2023-06-29. Review status: criteria provided, single submitter. Criteria: Invitae Variant Classification Sherloc (09022015). Collection method: clinical testing. Allele origin: germline.
Comment: In summary, the available evidence is currently insufficient to determine the role of this variant in disease. Therefore, it has been classified as a Variant of Uncertain Significance. An algorithm developed to predict the effect of missense changes on protein structure and function (PolyPhen-2) suggests that this variant is likely to be tolerated. ClinVar contains an entry for this variant (Variation ID: 2156266). This variant has not been reported in the literature in individuals affected with MEGF8-related conditions. This variant is present in population databases (no rsID available, gnomAD 0.003%). This sequence change replaces isoleucine, which is neutral and non-polar, with threonine, which is neutral and polar, at codon 229 of the MEGF8 protein (p.Ile229Thr).

NM_001271938.2(MEGF8):c.686T>C (p.Ile229Thr)

Gene: MEGF8 (multiple EGF like domains 8; plus strand). Cytogenetic location: 19q13.2.
Variant type: single nucleotide variant.
Coding change: c.686T>C on transcript NM_001271938.2 (MANE Select); coding-DNA position 686, T replaced by C.
Protein change: p.Ile229Thr; replaces isoleucine 229 with threonine.
Molecular consequence: missense variant.
Genome position (GRCh38, 1-based): chr19:42,335,162, T>C. VCF-style: chr19-42335162-T-C. GRCh37 (hg19) VCF-style: chr19-42839314-T-C.
Other names: c.686T>C, p.Ile229Thr (NM_001410.3); short protein forms I229T.
Identifiers: ClinVar variation 2156266 (VCV002156266.4), dbSNP rs1194814670, ClinGen allele CA406082220.
Genomic context (GRCh38, chr19:42,335,162, plus strand): 5'-ACCAGGGGGCTGGGTGGTGGCACAACGTGAGTGCCAGGGACCCTGCCTTCTCTGCCCGTA[T>C]TGGGGCAGCTGGCGCCTTCCTGTCCCCACCAGGGCTGCTGGCAGTTTTCGGAGGTGAGCA-3'
Protein context (NP_001258867.1, residues 219-239): SARDPAFSAR[Ile229Thr]GAAGAFLSPP